The following is an entry in ClinVar:

ClinVar aggregate classification (germline): Uncertain significance (1 of 4 stars; one submission).

Submission:

GeneDx
Classification: Uncertain significance. Last evaluated: 2022-09-28. Review status: criteria provided, single submitter. Criteria: GeneDx Variant Classification Process June 2021. Collection method: clinical testing. Allele origin: germline. Affected: yes.
Comment: Has not been previously published as pathogenic or benign to our knowledge; Not observed at significant frequency in large population cohorts (gnomAD); In silico analysis supports that this missense variant does not alter protein structure/function

NM_153212.3(GJB4):c.154G>A (p.Val52Ile)

Gene: GJB4 (gap junction protein beta 4; plus strand). Cytogenetic location: 1p34.3.
Variant type: single nucleotide variant.
Coding change: c.154G>A on transcript NM_153212.3 (MANE Select); coding-DNA position 154, G replaced by A.
Protein change: p.Val52Ile; replaces valine 52 with isoleucine.
Molecular consequence: missense variant.
Genome position (GRCh38, 1-based): chr1:34,761,408, G>A. VCF-style: chr1-34761408-G-A. GRCh37 (hg19) VCF-style: chr1-35227009-G-A.
Other names: short protein forms V52I.
Identifiers: ClinVar variation 2499208 (VCV002499208.1), dbSNP rs2521883777, ClinGen allele CA339300015.